The following is an entry in ClinVar:

NM_001351132.2(PEX5):c.1333G>C (p.Glu445Gln)

Gene: PEX5 (peroxisomal biogenesis factor 5; plus strand). Cytogenetic location: 12p13.31.
Variant type: single nucleotide variant.
Coding change: c.1333G>C on transcript NM_001351132.2 (MANE Select); coding-DNA position 1333, G replaced by C.
Protein change: p.Glu445Gln; replaces glutamic acid 445 with glutamine.
Molecular consequence: missense variant.
Genome position (GRCh38, 1-based): chr12:7,208,608, G>C. VCF-style: chr12-7208608-G-C. GRCh37 (hg19) VCF-style: chr12-7361204-G-C.
Other names: c.1309G>C, p.Glu437Gln (NM_000319.5); c.1378G>C, p.Glu460Gln (NM_001131023.2); c.1222G>C, p.Glu408Gln (NM_001131024.2, NM_001351124.3, NM_001351126.2 and 7 more transcripts); c.1333G>C, p.Glu445Gln (NM_001131025.2, NM_001131026.2, NM_001300789.3 and 4 more transcripts); c.1267G>C, p.Glu423Gln (NM_001351135.3, NM_001351138.2); c.1324G>C, p.Glu442Gln (NM_001351136.2); c.1198G>C, p.Glu400Gln (NM_001351139.2, NM_001351140.2, NM_001374649.2); short protein forms E400Q, E437Q, E445Q, E408Q, E423Q, E442Q, E460Q.
Identifiers: ClinVar variation 971979 (VCV000971979.10), dbSNP rs1405389869, ClinGen allele CA383733716.
Genomic context (GRCh38, chr12:7,208,608, plus strand): 5'-ACCCTACGAGACTGGCTGCGGTACACACCAGCCTATGCCCATCTGGTGACACCTGCTGAA[G>C]AAGGGGCTGGTGGGGCAGGACTGGGCCCCAGCAAGCGTATCCTGGGATCTCTCTTGTCTG-3'
Protein context (NP_001338061.1, residues 435-455): AYAHLVTPAE[Glu445Gln]GAGGAGLGPS

ClinVar aggregate classification (germline): Uncertain significance. Review status: criteria provided, multiple submitters, no conflicts (2 of 4 stars). 2 submissions from 2 submitters: Uncertain significance (2). Last evaluated 2024-02-05.

Conditions:
Peroxisome biogenesis disorder 2B (PBD2B). Identifiers: Orphanet 44, MedGen C3550234, MONDO:0008736, OMIM 202370.
Inborn genetic diseases. Identifiers: MedGen C0950123, MeSH D030342.

Allele frequency attached by ClinVar (database versions not stated): TOPMed 0.00002; gnomAD 0.00003.
gnomAD v4.1: 4 of 1,614,066 alleles (0.00025%); highest among the groups gnomAD compares: African/African-American, 0.0053%; no homozygotes.

Submissions (2):

Labcorp Genetics (formerly Invitae), Labcorp
Classification: Uncertain significance for Peroxisome biogenesis disorder 2B. Last evaluated: 2024-02-05. Review status: criteria provided, single submitter. Criteria: Invitae Variant Classification Sherloc (09022015). Collection method: clinical testing. Allele origin: germline.
Comment: This sequence change replaces glutamic acid, which is acidic and polar, with glutamine, which is neutral and polar, at codon 445 of the PEX5 protein (p.Glu445Gln). This variant is not present in population databases (gnomAD no frequency). This variant has not been reported in the literature in individuals affected with PEX5-related conditions. ClinVar contains an entry for this variant (Variation ID: 971979). Advanced modeling of protein sequence and biophysical properties (such as structural, functional, and spatial information, amino acid conservation, physicochemical variation, residue mobility, and thermodynamic stability) performed at Invitae indicates that this missense variant is not expected to disrupt PEX5 protein function with a negative predictive value of 80%. In summary, the available evidence is currently insufficient to determine the role of this variant in disease. Therefore, it has been classified as a Variant of Uncertain Significance.

Ambry Genetics
Classification: Uncertain significance for Inborn genetic diseases. Last evaluated: 2024-01-04. Review status: criteria provided, single submitter. Criteria: Ambry Variant Classification Scheme 2023. Collection method: clinical testing. Allele origin: germline.